The following is an entry in ClinVar:

NM_020529.3(NFKBIA):c.848G>A (p.Ser283Asn)

Gene: NFKBIA (NFKB inhibitor alpha; minus strand). Cytogenetic location: 14q13.2.
Variant type: single nucleotide variant.
Coding change: c.848G>A on transcript NM_020529.3 (MANE Select); coding-DNA position 848, G replaced by A.
Protein change: p.Ser283Asn; replaces serine 283 with asparagine.
Molecular consequence: missense variant.
Genome position (GRCh38, 1-based): chr14:35,402,452, C>T on the plus strand (G>A on the coding strand, the complement: NFKBIA is on the minus strand). VCF-style: chr14-35402452-C-T. GRCh37 (hg19) VCF-style: chr14-35871658-C-T.
Other names: short protein forms S283N.
Identifiers: ClinVar variation 2148619 (VCV002148619.5), dbSNP rs759161424, ClinGen allele CA7155349.

ClinVar aggregate classification (germline): Uncertain significance. Review status: criteria provided, multiple submitters, no conflicts (2 of 4 stars). 2 submissions from 2 submitters: Uncertain significance (2). Last evaluated 2025-10-27.

Conditions:
Inborn genetic diseases. Identifiers: MedGen C0950123, MeSH D030342.
Ectodermal dysplasia and immunodeficiency 2. Identifiers: Orphanet 238468, Orphanet 98813, MedGen C2677481, MONDO:0012806, OMIM 612132.

Allele frequency attached by ClinVar (database versions not stated): TOPMed 0.00001; ExAC 0.00002.

Submissions (2):

Labcorp Genetics (formerly Invitae), Labcorp
Classification: Uncertain significance for Ectodermal dysplasia and immunodeficiency 2. Last evaluated: 2025-10-27. Review status: criteria provided, single submitter. Criteria: Invitae Variant Classification Sherloc (09022015). Collection method: clinical testing. Allele origin: germline.
Comment: This sequence change replaces serine, which is neutral and polar, with asparagine, which is neutral and polar, at codon 283 of the NFKBIA protein (p.Ser283Asn). This variant is present in population databases (rs759161424, gnomAD 0.01%). This variant has not been reported in the literature in individuals affected with NFKBIA-related conditions. ClinVar contains an entry for this variant (Variation ID: 2148619). An algorithm developed to predict the effect of missense changes on protein structure and function (PolyPhen-2) suggests that this variant is likely to be tolerated. In summary, the available evidence is currently insufficient to determine the role of this variant in disease. Therefore, it has been classified as a Variant of Uncertain Significance.

Ambry Genetics
Classification: Uncertain significance for Inborn genetic diseases. Last evaluated: 2022-09-14. Review status: criteria provided, single submitter. Criteria: Ambry Variant Classification Scheme 2023. Collection method: clinical testing. Allele origin: germline.